The following is an entry in ClinVar:

NM_000487.6(ARSA):c.697C>A (p.Pro233Thr)

Gene: ARSA (arylsulfatase A; minus strand). Cytogenetic location: 22q13.33.
Variant type: single nucleotide variant.
Coding change: c.697C>A on transcript NM_000487.6 (MANE Select); coding-DNA position 697, C replaced by A.
Protein change: p.Pro233Thr; replaces proline 233 with threonine.
Molecular consequence: missense variant.
Genome position (GRCh38, 1-based): chr22:50,626,748, G>T on the plus strand (C>A on the coding strand, the complement: ARSA is on the minus strand). VCF-style: chr22-50626748-G-T. GRCh37 (hg19) VCF-style: chr22-51065176-G-T.
Other names: P231T; c.697C>A (NM_000487.5); c.697C>A, p.Pro233Thr (NM_001085425.3, NM_001085426.3, NM_001085427.3); c.439C>A, p.Pro147Thr (NM_001085428.3, NM_001362782.2); short protein forms P233T, P147T.
Identifiers: ClinVar variation 3072 (VCV000003072.3), dbSNP rs74315469, ClinGen allele CA278032.

ClinVar aggregate classification (germline): Uncertain significance. Review status: criteria provided, single submitter (1 of 4 stars). 2 submissions from 2 submitters: Uncertain significance (1). 1 of the submissions does not count toward it. Last evaluated 2023-09-01.

Conditions:
Metachromatic leukodystrophy (MLD). Also called: ARSA DEFICIENCY; CEREBROSIDE SULFATASE DEFICIENCY; METACHROMATIC LEUKOENCEPHALOPATHY; Arylsulfatase A Deficiency; SULFATIDE LIPIDOSIS; Cerebral sclerosis diffuse metachromatic form. Identifiers: Orphanet 512, MedGen C0023522, MONDO:0018868, OMIM 250100.

Submissions (2):

Women's Health and Genetics/Laboratory Corporation of America, LabCorp
Classification: Uncertain significance. Last evaluated: 2023-09-01. Review status: criteria provided, single submitter. Criteria: LabCorp Variant Classification Summary - May 2015. Collection method: clinical testing. Allele origin: germline.
Comment: Variant summary: ARSA c.697C>A (p.Pro233Thr) results in a non-conservative amino acid change in the encoded protein sequence. Four of four in-silico tools predict a damaging effect of the variant on protein function. The variant was absent in 250716 control chromosomes. The available data on variant occurrences in the general population are insufficient to allow any conclusion about variant significance. c.697C>A has been reported in the literature in individual(s) affected with Metachromatic Leukodystrophy (example, Gieselmann_1994). These report(s) do not provide unequivocal conclusions about association of the variant with Metachromatic Leukodystrophy. To our knowledge, no experimental evidence demonstrating an impact on protein function has been reported. The following publication have been ascertained in the context of this evaluation (PMID: 7866401). One submitter has cited clinical-significance assessments for this variant to ClinVar after 2014 and has classified the variant as pathogenic, which is not based on a clinical testing but literature reviewing. Based on the evidence outlined above, the variant was classified as uncertain significance.

OMIM
Classification: Pathogenic for METACHROMATIC LEUKODYSTROPHY. Last evaluated: 2016-10-11. Review status: no assertion criteria provided. Collection method: literature only. Allele origin: germline. Not counted in ClinVar's aggregate classification.

Literature cited by the submitters: PubMed 7866401 (cited by Women's Health and Genetics/Laboratory Corporation of America, LabCorp); Caillaud, C., Blanchor, C., Akli, S., Crosnier, J. M., Puech, J. P., Kahn, A., Poenaru, L. Molecular basis of late infantile metachromatic leukodystrophy in France. (Abstract) ESGLD Workshop, Delphi, Greece 1993. (cited by OMIM).